The following is an entry in ClinVar:

NM_001611.5(ACP5):c.712T>C (p.Cys238Arg)

Gene: ACP5 (acid phosphatase 5, tartrate resistant; minus strand). Cytogenetic location: 19p13.2.
Variant type: single nucleotide variant.
Coding change: c.712T>C on transcript NM_001611.5 (MANE Select); coding-DNA position 712, T replaced by C.
Protein change: p.Cys238Arg; replaces cysteine 238 with arginine.
Molecular consequence: missense variant.
Genome position (GRCh38, 1-based): chr19:11,576,266, A>G on the plus strand (T>C on the coding strand, the complement: ACP5 is on the minus strand). VCF-style: chr19-11576266-A-G. GRCh37 (hg19) VCF-style: chr19-11687081-A-G.
Other names: c.712T>C, p.Cys238Arg (NM_001111034.3, NM_001111035.3, NM_001111036.3 and 1 more transcripts); short protein forms C238R.
Identifiers: ClinVar variation 1456634 (VCV001456634.6), dbSNP rs2145087756, ClinGen allele CA404146119.

ClinVar aggregate classification (germline): Pathogenic (1 of 4 stars; one submission).

Conditions:
Spondyloenchondrodysplasia with immune dysregulation (SPENCDI). Also called: COMBINED IMMUNODEFICIENCY WITH AUTOIMMUNITY AND SPONDYLOMETAPHYSEAL DYSPLASIA; ROIFMAN IMMUNOSKELETAL SYNDROME; SPONDYLOENCHONDRODYSPLASIA WITH OR WITHOUT IMMUNE DYSREGULATION. Identifiers: Orphanet 1855, MedGen C1842763, MONDO:0011939, OMIM 607944.

Submission:

Labcorp Genetics (formerly Invitae), Labcorp
Classification: Pathogenic for Spondyloenchondrodysplasia with immune dysregulation. Last evaluated: 2025-02-10. Review status: criteria provided, single submitter. Criteria: Invitae Variant Classification Sherloc (09022015). Collection method: clinical testing. Allele origin: germline.
Comment: This sequence change replaces cysteine, which is neutral and slightly polar, with arginine, which is basic and polar, at codon 238 of the ACP5 protein (p.Cys238Arg). This variant is not present in population databases (gnomAD no frequency). This missense change has been observed in individual(s) with spondyloenchondrodysplasia with immune dysregulation (PMID: 26951490). It has also been observed to segregate with disease in related individuals. ClinVar contains an entry for this variant (Variation ID: 1456634). Invitae Evidence Modeling of protein sequence and biophysical properties (such as structural, functional, and spatial information, amino acid conservation, physicochemical variation, residue mobility, and thermodynamic stability) indicates that this missense variant is expected to disrupt ACP5 protein function with a positive predictive value of 95%. For these reasons, this variant has been classified as Pathogenic.

Literature cited by the submitters: PubMed 26951490.